The following is an entry in ClinVar:

ClinVar aggregate classification (germline): Uncertain significance (1 of 4 stars; one submission).

gnomAD v4.1: 7 of 1,614,070 alleles (0.00043%); highest among the groups gnomAD compares: South Asian, 0.0011%; no homozygotes.

Submission:

Labcorp Genetics (formerly Invitae), Labcorp
Classification: Uncertain significance. Last evaluated: 2025-06-11. Review status: criteria provided, single submitter. Criteria: Invitae Variant Classification Sherloc (09022015). Collection method: clinical testing. Allele origin: germline.
Comment: This sequence change replaces arginine, which is basic and polar, with cysteine, which is neutral and slightly polar, at codon 285 of the PHF21A protein (p.Arg285Cys). This variant is present in population databases (rs760425502, gnomAD 0.007%). This variant has not been reported in the literature in individuals affected with PHF21A-related conditions. Invitae Evidence Modeling of protein sequence and biophysical properties (such as structural, functional, and spatial information, amino acid conservation, physicochemical variation, residue mobility, and thermodynamic stability) indicates that this missense variant is not expected to disrupt PHF21A protein function with a negative predictive value of 80%. In summary, the available evidence is currently insufficient to determine the role of this variant in disease. Therefore, it has been classified as a Variant of Uncertain Significance.

NM_001352027.3(PHF21A):c.856C>T (p.Arg286Cys)

Gene: PHF21A (PHD finger protein 21A; minus strand). Cytogenetic location: 11p11.2.
Variant type: single nucleotide variant.
Coding change: c.856C>T on transcript NM_001352027.3 (MANE Select); coding-DNA position 856, C replaced by T.
Protein change: p.Arg286Cys; replaces arginine 286 with cysteine.
Molecular consequence: missense variant. On other transcripts: non-coding transcript variant (2).
Genome position (GRCh38, 1-based): chr11:45,965,455, G>A on the plus strand (C>T on the coding strand, the complement: PHF21A is on the minus strand). VCF-style: chr11-45965455-G-A. GRCh37 (hg19) VCF-style: chr11-45987006-G-A.
Other names: c.853C>T, p.Arg285Cys (NM_001101802.3, NM_001352030.3, NM_001352031.3 and 2 more transcripts); c.856C>T, p.Arg286Cys (NM_001352025.3, NM_001352026.3, NM_001352028.1 and 3 more transcripts); c.877C>T, p.Arg293Cys (NM_001441167.1, NM_001441168.1); c.874C>T, p.Arg292Cys (NM_001441169.1); c.604C>T, p.Arg202Cys (NM_001441172.1); short protein forms R202C, R292C, R293C, R285C, R286C.
Identifiers: ClinVar variation 4699037 (VCV004699037.1).